The following is an entry in ClinVar:

NM_001303052.2(MYT1L):c.2515_2518dup (p.Thr840fs)

Gene: MYT1L (myelin transcription factor 1 like; minus strand). Cytogenetic location: 2p25.3.
Variant type: Duplication.
Coding change: c.2515_2518dup on transcript NM_001303052.2 (MANE Select); coding-DNA positions 2515 to 2518, 4 bases duplicated (ATTA; older notation c.2515_2518dupATTA).
Protein change: p.Thr840fs; shifts the reading frame from threonine 840.
Molecular consequence: frameshift variant.
Genome position (GRCh38, 1-based): chr2:1,889,243-1,889,246, TAAT duplicated on the plus strand (ATTA on the coding strand, the reverse complement: MYT1L is on the minus strand). VCF-style (leftmost placement, unchanged base first): chr2-1889242-G-GTAAT. GRCh37 (hg19) VCF-style: chr2-1893014-G-GTAAT.
Other names: c.2515_2518dup, p.Thr840fs (NM_001329844.2, NM_001329845.1, NM_001329851.3); c.2509_2512dup, p.Thr838fs (NM_001329846.3, NM_001329847.2, NM_001329848.1 and 3 more transcripts); short protein forms T838fs, T840fs.
Identifiers: ClinVar variation 4684982 (VCV004684982.1).

ClinVar aggregate classification (germline): Pathogenic (1 of 4 stars; one submission).

Conditions:
Intellectual developmental disorder, autosomal dominant 39. Also called: Mental retardation, autosomal dominant 39; Intellectual disability, autosomal dominant 39. Identifiers: MedGen C4225296, MONDO:0014678, OMIM 616521.

Submission:

Institute of Human Genetics, Heidelberg University
Classification: Pathogenic for Intellectual developmental disorder, autosomal dominant 39. Last evaluated: 2025-12-05. Review status: criteria provided, single submitter. Criteria: ACMG Guidelines, 2015. Collection method: clinical testing. Allele origin: de novo. Affected: yes. Observed: 1 variant allele.
Comment: PVS1, PS2_supp, PM2_supp